The following is an entry in ClinVar:

ClinVar aggregate classification (germline): Uncertain significance (1 of 4 stars; one submission).

Conditions:
Autosomal recessive limb-girdle muscular dystrophy type 2J (LGMDR10). Also called: Limb-girdle muscular dystrophy, type 2J; MUSCULAR DYSTROPHY, LIMB-GIRDLE, AUTOSOMAL RECESSIVE 10. Identifiers: Orphanet 140922, MedGen C1837342, MONDO:0012127, OMIM 608807.
Dilated cardiomyopathy 1G (CMD1G). Identifiers: Orphanet 154, MedGen C1858763, MONDO:0011400, OMIM 604145.

Submission:

Labcorp Genetics (formerly Invitae), Labcorp
Classification: Uncertain significance for Dilated cardiomyopathy 1G; Autosomal recessive limb-girdle muscular dystrophy type 2J. Last evaluated: 2025-04-07. Review status: criteria provided, single submitter. Criteria: Invitae Variant Classification Sherloc (09022015). Collection method: clinical testing. Allele origin: germline.
Comment: This sequence change replaces arginine, which is basic and polar, with proline, which is neutral and non-polar, at codon 35448 of the TTN protein (p.Arg35448Pro). This variant is not present in population databases (gnomAD no frequency). This variant has not been reported in the literature in individuals affected with TTN-related conditions. Experimental studies and prediction algorithms are not available or were not evaluated, and the functional significance of this variant is currently unknown. This variant is located in the M band of TTN (PMID: 25589632). Non-truncating variants in this region may be relevant for neuromuscular disorders, but have not been definitively shown to cause cardiomyopathy (PMID: 23975875). In summary, the available evidence is currently insufficient to determine the role of this variant in disease. Therefore, it has been classified as a Variant of Uncertain Significance.

Literature cited by the submitters: PubMed 25589632; PubMed 23975875.

NM_001267550.2(TTN):c.106343G>C (p.Arg35448Pro)

Genes: TTN (titin; minus strand), TTN-AS1 (TTN antisense RNA 1; plus strand). Cytogenetic location: 2q31.2.
Variant type: single nucleotide variant.
Coding change: c.106343G>C on transcript NM_001267550.2 (MANE Select); coding-DNA position 106343, G replaced by C.
Protein change: p.Arg35448Pro; replaces arginine 35448 with proline.
Molecular consequence: missense variant.
Genome position (GRCh38, 1-based): chr2:178,530,272, C>G on the plus strand (G>C on the coding strand, the complement: TTN is on the minus strand). VCF-style: chr2-178530272-C-G. GRCh37 (hg19) VCF-style: chr2-179394999-C-G.
Other names: c.101420G>C, p.Arg33807Pro (NM_001256850.1); c.79148G>C, p.Arg26383Pro (NM_003319.4); c.98639G>C, p.Arg32880Pro (NM_133378.4); c.79523G>C, p.Arg26508Pro (NM_133432.3); c.79724G>C, p.Arg26575Pro (NM_133437.4); short protein forms R32880P, R35448P, R26575P, R33807P, R26508P, R26383P.
Identifiers: ClinVar variation 4792146 (VCV004792146.1).